The following is an entry in ClinVar:

ClinVar aggregate classification (germline): Benign/Likely benign. Review status: criteria provided, multiple submitters, no conflicts (2 of 4 stars). 3 submissions from 3 submitters: Benign (1); Likely benign (2). Last evaluated 2026-05-18.

Conditions:
Hereditary cancer-predisposing syndrome. Also called: Hereditary Cancer Syndrome; Hereditary neoplastic syndrome; Neoplastic Syndromes, Hereditary; Tumor predisposition. Identifiers: Orphanet 140162, MedGen C0027672, MeSH D009386, MONDO:0015356.
Cardiovascular phenotype. Identifiers: MedGen CN230736.
Neurofibromatosis, type 1 (NF1). Also called: Neurofibromatosis, type I; VON RECKLINGHAUSEN DISEASE; NEUROFIBROMATOSIS, TYPE I, SOMATIC; Peripheral type neurofibromatosis. Identifiers: Orphanet 636, MedGen C0027831, MONDO:0018975, OMIM 162200. Disease mechanism: loss of function.

Allele frequency attached by ClinVar (database versions not stated): gnomAD exomes below 0.00001; gnomAD 0.00001; TOPMed below 0.00001.
gnomAD v4.1: 3 of 1,613,826 alleles (0.00019%); highest among the groups gnomAD compares: Non-Finnish European, 0.00025%; no homozygotes.

Submissions (3):

Myriad Genetics, Inc.
Classification: Benign for Neurofibromatosis, type 1. Last evaluated: 2026-05-18. Review status: criteria provided, single submitter. Criteria: Myriad Autosomal Dominant, Autosomal Recessive and X-Linked Classification Criteria (2023). Collection method: clinical testing. Allele origin: unknown.
Comment: This variant is considered benign. This variant is a silent/synonymous amino acid change and it is not expected to impact splicing.

Labcorp Genetics (formerly Invitae), Labcorp
Classification: Likely benign for Neurofibromatosis, type 1. Last evaluated: 2025-11-23. Review status: criteria provided, single submitter. Criteria: Invitae Variant Classification Sherloc (09022015). Collection method: clinical testing. Allele origin: germline.

Ambry Genetics
Classification: Likely benign for Cardiovascular phenotype; Hereditary cancer-predisposing syndrome. Last evaluated: 2023-07-27. Review status: criteria provided, single submitter. Criteria: Ambry Variant Classification Scheme 2023. Collection method: clinical testing. Allele origin: germline.

NM_001042492.3(NF1):c.2364A>G (p.Thr788=)

Gene: NF1 (neurofibromin 1; plus strand). Cytogenetic location: 17q11.2.
Variant type: single nucleotide variant.
Coding change: c.2364A>G on transcript NM_001042492.3 (MANE Select); coding-DNA position 2364, A replaced by G.
Protein change: p.Thr788=; no amino-acid change (threonine 788 retained).
Molecular consequence: synonymous variant.
Genome position (GRCh38, 1-based): chr17:31,227,561, A>G. VCF-style: chr17-31227561-A-G. GRCh37 (hg19) VCF-style: chr17-29554579-A-G.
Other names: c.2364A>G, p.Thr788= (NM_000267.4).
Identifiers: ClinVar variation 705570 (VCV000705570.11), dbSNP rs1240233000, ClinGen allele CA499226174.